The following is an entry in ClinVar:

NM_144670.6(A2ML1):c.1969C>G (p.Arg657Gly)

Gene: A2ML1 (alpha-2-macroglobulin like 1; plus strand). Cytogenetic location: 12p13.31.
Variant type: single nucleotide variant.
Coding change: c.1969C>G on transcript NM_144670.6 (MANE Select); coding-DNA position 1969, C replaced by G.
Protein change: p.Arg657Gly; replaces arginine 657 with glycine.
Molecular consequence: missense variant.
Genome position (GRCh38, 1-based): chr12:8,848,855, C>G. VCF-style: chr12-8848855-C-G. GRCh37 (hg19) VCF-style: chr12-9001451-C-G.
Other names: c.496C>G, p.Arg166Gly (NM_001282424.3); c.1969C>G (NM_144670.3); short protein forms R166G, R657G.
Identifiers: ClinVar variation 1374806 (VCV001374806.10), dbSNP rs1449723526, ClinGen allele CA383830900.
Genomic context (GRCh38, chr12:8,848,855, plus strand): 5'-GGCCCATGGGACTTTCCTCAGCCCCTCATTGACCCAATGCCCCAAGGGCATTCGAGCCAG[C>G]GTTCCATTATCTGGAGGCCCTCGTTCTCTGAAGGCACGGACCTTTTCAGCTTTTTCCGGG-3'
Protein context (NP_653271.3, residues 647-667): DPMPQGHSSQ[Arg657Gly]SIIWRPSFSE

ClinVar aggregate classification (germline): Uncertain significance. Review status: criteria provided, multiple submitters, no conflicts (2 of 4 stars). 2 submissions from 2 submitters: Uncertain significance (2). Last evaluated 2025-07-03.

gnomAD v4.1: 86 of 1,614,144 alleles (0.0053%); highest among the groups gnomAD compares: Non-Finnish European, 0.0072%; no homozygotes.

Submissions (2):

Ambry Genetics
Classification: Uncertain significance. Last evaluated: 2025-07-03. Review status: criteria provided, single submitter. Criteria: Ambry Variant Classification Scheme 2023. Collection method: clinical testing. Allele origin: germline.
Comment: The p.R657G variant (also known as c.1969C>G), located in coding exon 16 of the A2ML1 gene, results from a C to G substitution at nucleotide position 1969. The arginine at codon 657 is replaced by glycine, an amino acid with dissimilar properties. This amino acid position is conserved. In addition, this alteration is predicted to be tolerated by in silico analysis. Based on the available evidence, the clinical significance of this variant remains unclear.

Labcorp Genetics (formerly Invitae), Labcorp
Classification: Uncertain significance. Last evaluated: 2024-08-21. Review status: criteria provided, single submitter. Criteria: Invitae Variant Classification Sherloc (09022015). Collection method: clinical testing. Allele origin: germline.
Comment: This sequence change replaces arginine, which is basic and polar, with glycine, which is neutral and non-polar, at codon 657 of the A2ML1 protein (p.Arg657Gly). This variant is present in population databases (no rsID available, gnomAD 0.002%). This variant has not been reported in the literature in individuals affected with A2ML1-related conditions. ClinVar contains an entry for this variant (Variation ID: 1374806). An algorithm developed to predict the effect of missense changes on protein structure and function (PolyPhen-2) suggests that this variant is likely to be tolerated. In summary, the available evidence is currently insufficient to determine the role of this variant in disease. Therefore, it has been classified as a Variant of Uncertain Significance.